The following is an entry in ClinVar:

NM_145886.4(PIDD1):c.903C>T (p.Asp301=)

Gene: PIDD1 (p53-induced death domain protein 1; minus strand). Cytogenetic location: 11p15.5.
Variant type: single nucleotide variant.
Coding change: c.903C>T on transcript NM_145886.4 (MANE Select); coding-DNA position 903, C replaced by T.
Protein change: p.Asp301=; no amino-acid change (aspartic acid 301 retained).
Molecular consequence: synonymous variant.
Genome position (GRCh38, 1-based): chr11:802,698, G>A on the plus strand (C>T on the coding strand, the complement: PIDD1 is on the minus strand). VCF-style: chr11-802698-G-A. GRCh37 (hg19) VCF-style: chr11-802698-G-A.
Other names: c.903C>T, p.Asp301= (NM_145887.4).
Identifiers: ClinVar variation 3045156 (VCV003045156.2), dbSNP rs373164089, ClinGen allele CA5790307.

ClinVar aggregate classification (germline): Likely benign (0 of 4 stars; one submission).

Conditions:
PIDD1-related disorder. Also called: PIDD1-related condition.

Allele frequency attached by ClinVar (database versions not stated): gnomAD 0.00002; gnomAD exomes 0.00003; TOPMed 0.00003; ExAC 0.00004; ESP Exome Variant Server 0.00008; 1000 Genomes Project 30x 0.00016; 1000 Genomes Project 0.00020.
gnomAD v4.1: 42 of 1,610,744 alleles (0.0026%); highest among the groups gnomAD compares: Middle Eastern, 0.033%; no homozygotes.

Submission:

PreventionGenetics, part of Exact Sciences
Classification: Likely benign for PIDD1-related condition. Last evaluated: 2019-04-26. Review status: no assertion criteria provided. Collection method: clinical testing. Allele origin: germline.
Comment: This variant is classified as likely benign based on ACMG/AMP sequence variant interpretation guidelines (Richards et al. 2015 PMID: 25741868, with internal and published modifications).